The following is an entry in ClinVar:

ClinVar aggregate classification (germline): Uncertain significance (1 of 4 stars; one submission).

Conditions:
BAP1-related tumor predisposition syndrome (TPDS1). Also called: BAP1 tumor predisposition syndrome; Tumor susceptibility linked to germline BAP1 mutations; COMMON Syndrome; TUMOR PREDISPOSITION SYNDROME 1. Identifiers: Orphanet 289539, MedGen C3280492, MONDO:0013692, OMIM 614327.

Allele frequency attached by ClinVar (database versions not stated): gnomAD exomes below 0.00001.
gnomAD v4.1: 2 of 1,613,754 alleles (0.00012%); highest among the groups gnomAD compares: Non-Finnish European, 0.00017%; no homozygotes.

Submission:

Labcorp Genetics (formerly Invitae), Labcorp
Classification: Uncertain significance for BAP1-related tumor predisposition syndrome. Last evaluated: 2024-01-03. Review status: criteria provided, single submitter. Criteria: Invitae Variant Classification Sherloc (09022015). Collection method: clinical testing. Allele origin: germline.
Comment: This sequence change replaces cysteine, which is neutral and slightly polar, with arginine, which is basic and polar, at codon 103 of the BAP1 protein (p.Cys103Arg). This variant is present in population databases (no rsID available, gnomAD 0.0009%). This variant has not been reported in the literature in individuals affected with BAP1-related conditions. Advanced modeling of protein sequence and biophysical properties (such as structural, functional, and spatial information, amino acid conservation, physicochemical variation, residue mobility, and thermodynamic stability) has been performed at Invitae for this missense variant, however the output from this modeling did not meet the statistical confidence thresholds required to predict the impact of this variant on BAP1 protein function. In summary, the available evidence is currently insufficient to determine the role of this variant in disease. Therefore, it has been classified as a Variant of Uncertain Significance.

NM_004656.4(BAP1):c.307T>C (p.Cys103Arg)

Gene: BAP1 (BRCA1 associated deubiquitinase 1; minus strand). Cytogenetic location: 3p21.1.
Variant type: single nucleotide variant.
Coding change: c.307T>C on transcript NM_004656.4 (MANE Select); coding-DNA position 307, T replaced by C.
Protein change: p.Cys103Arg; replaces cysteine 103 with arginine.
Molecular consequence: missense variant.
Genome position (GRCh38, 1-based): chr3:52,408,026, A>G on the plus strand (T>C on the coding strand, the complement: BAP1 is on the minus strand). VCF-style: chr3-52408026-A-G. GRCh37 (hg19) VCF-style: chr3-52442042-A-G.
Other names: c.307T>C, p.Cys103Arg (NM_001410772.1); short protein forms C103R.
Identifiers: ClinVar variation 2707226 (VCV002707226.3), dbSNP rs1238632840, ClinGen allele CA353112309.